The following is an entry in ClinVar:

NM_001330700.2(TOP2B):c.2825T>C (p.Val942Ala)

Gene: TOP2B (DNA topoisomerase II beta; minus strand). Cytogenetic location: 3p24.2.
Variant type: single nucleotide variant.
Coding change: c.2825T>C on transcript NM_001330700.2 (MANE Select); coding-DNA position 2825, T replaced by C.
Protein change: p.Val942Ala; replaces valine 942 with alanine.
Molecular consequence: missense variant.
Genome position (GRCh38, 1-based): chr3:25,620,719, A>G on the plus strand (T>C on the coding strand, the complement: TOP2B is on the minus strand). VCF-style: chr3-25620719-A-G. GRCh37 (hg19) VCF-style: chr3-25662210-A-G.
Other names: c.2810T>C, p.Val937Ala (NM_001068.3); short protein forms V937A, V942A.
Identifiers: ClinVar variation 3001164 (VCV003001164.3), dbSNP rs1386449143, ClinGen allele CA351899321.

ClinVar aggregate classification (germline): Uncertain significance (1 of 4 stars; one submission).

Allele frequency attached by ClinVar (database versions not stated): gnomAD exomes below 0.00001; TOPMed below 0.00001; gnomAD 0.00001.
gnomAD v4.1: 5 of 1,612,868 alleles (0.00031%); highest among the groups gnomAD compares: Non-Finnish European, 0.00034%; no homozygotes.

Submission:

Labcorp Genetics (formerly Invitae), Labcorp
Classification: Uncertain significance. Last evaluated: 2023-03-14. Review status: criteria provided, single submitter. Criteria: Invitae Variant Classification Sherloc (09022015). Collection method: clinical testing. Allele origin: germline.
Comment: This sequence change replaces valine, which is neutral and non-polar, with alanine, which is neutral and non-polar, at codon 937 of the TOP2B protein (p.Val937Ala). In summary, the available evidence is currently insufficient to determine the role of this variant in disease. Therefore, it has been classified as a Variant of Uncertain Significance. An algorithm developed to predict the effect of missense changes on protein structure and function (PolyPhen-2) suggests that this variant is likely to be tolerated. This variant has not been reported in the literature in individuals affected with TOP2B-related conditions. This variant is not present in population databases (gnomAD no frequency).